The following is an entry in ClinVar:

ClinVar aggregate classification (germline): Uncertain significance (1 of 4 stars; one submission).

Conditions:
Familial adenomatous polyposis 1 (FAP1). Also called: FAMILIAL ADENOMATOUS POLYPOSIS 1, ATTENUATED; POLYPOSIS, ADENOMATOUS INTESTINAL. Identifiers: MedGen C2713442, MONDO:0021056, OMIM 175100. Disease mechanism: loss of function.

Submission:

Labcorp Genetics (formerly Invitae), Labcorp
Classification: Uncertain significance for Familial adenomatous polyposis 1. Last evaluated: 2022-03-19. Review status: criteria provided, single submitter. Criteria: Invitae Variant Classification Sherloc (09022015). Collection method: clinical testing. Allele origin: germline.
Comment: In summary, the available evidence is currently insufficient to determine the role of this variant in disease. Therefore, it has been classified as a Variant of Uncertain Significance. Experimental studies and prediction algorithms are not available or were not evaluated, and the functional significance of this variant is currently unknown. This variant has not been reported in the literature in individuals affected with APC-related conditions. This variant is not present in population databases (gnomAD no frequency). This variant occurs in a non-coding region of the APC gene. It does not change the encoded amino acid sequence of the APC protein.

NC_000005.10:g.112707321A>C

Gene: APC (APC regulator of Wnt signaling pathway; plus strand). Cytogenetic location: 5q22.2.
Variant type: single nucleotide variant.
Genome position: GRCh38 VCF-style: chr5-112707321-A-C. GRCh37 (hg19) VCF-style: chr5-112043018-A-C.
Identifiers: ClinVar variation 2114692 (VCV002114692.5), dbSNP rs2531729934, ClinGen allele CA2580072221.